The following is an entry in ClinVar:

NM_007194.4(CHEK2):c.1100_1101del (p.Thr367fs)

Gene: CHEK2 (checkpoint kinase 2; minus strand). Cytogenetic location: 22q12.1.
Variant type: Deletion.
Coding change: c.1100_1101del on transcript NM_007194.4 (MANE Select); coding-DNA positions 1100 to 1101, 2 bases deleted (CT; older notation c.1100_1101delCT).
Protein change: p.Thr367fs; shifts the reading frame from threonine 367.
Molecular consequence: frameshift variant.
Genome position (GRCh38, 1-based): chr22:28,695,868-28,695,869, AG deleted on the plus strand (CT on the coding strand, the reverse complement: CHEK2 is on the minus strand). VCF-style (leftmost placement, unchanged base first): chr22-28695867-CAG-C. GRCh37 (hg19) VCF-style: chr22-29091855-CAG-C.
Other names: c.1229_1230delCT, p.Thr410Argfs (NM_001005735.3); c.437_438delCT, p.Thr146Argfs (NM_001257387.3); c.899_900delCT, p.Thr300Argfs (NM_001349956.3); c.1013_1014delCT, p.Thr338Argfs (NM_145862.3); short protein forms T338fs, T367fs, T410fs, T146fs, T300fs.
Identifiers: ClinVar variation 438773 (VCV000438773.2), dbSNP rs1555913934, ClinGen allele CA645509362.

ClinVar aggregate classification (germline): Pathogenic (0 of 4 stars; one submission).

Conditions:
Nephroblastoma. Also called: Wilms' tumor; Wilms tumor. Identifiers: Orphanet 654, MedGen C0027708, MeSH D009396, MONDO:0006058, HP:0002667.

Submission:

Donald Williams Parsons Laboratory, Baylor College of Medicine
Classification: Pathogenic for Nephroblastoma. Last evaluated: 2015-05-28. Review status: no assertion criteria provided. Collection method: research. Allele origin: paternal. Inheritance: Autosomal dominant inheritance. Affected: yes. Observed: 1 variant allele, 1 heterozygote. Study: CSER-BASIC3.

Literature cited by the submitters: PubMed 10617473; PubMed 23329222; PubMed 15492928; PubMed 22994785; PubMed 22691310; PubMed 21244692; PubMed 22520019; PubMed 18759107; PubMed 19030985; PubMed 22811390; PubMed 11719428; PubMed 23415889; PubMed 20722467; PubMed 22058216; PubMed 21876083; PubMed 23109706; PubMed 21956126; PubMed 22058428; PubMed 11967536; PubMed 24723567; PubMed 23409019; PubMed 22006311; PubMed 26822237.